The following is an entry in ClinVar:

ClinVar aggregate classification (germline): Pathogenic. Review status: criteria provided, multiple submitters, no conflicts (2 of 4 stars). 2 submissions from 2 submitters: Pathogenic (2). Last evaluated 2024-05-08.

Conditions:
Primary ciliary dyskinesia. Also called: Ciliary dyskinesia. Identifiers: Orphanet 244, MedGen C0008780, MONDO:0016575, HP:0012265.
Primary ciliary dyskinesia 3. Identifiers: Orphanet 244, MedGen C1837618, MONDO:0012085, OMIM 608644.

Allele frequency attached by ClinVar (database versions not stated): gnomAD exomes below 0.00001.
gnomAD v4.1: 1 of 1,609,632 alleles (0.000062%); no homozygotes.

Submissions (2):

Myriad Genetics, Inc.
Classification: Pathogenic for Primary ciliary dyskinesia 3. Last evaluated: 2024-05-08. Review status: criteria provided, single submitter. Criteria: Myriad Autosomal Dominant, Autosomal Recessive and X-Linked Classification Criteria (2023). Collection method: clinical testing. Allele origin: unknown.
Comment: NM_001369.2(DNAH5):c.13346G>A(W4449*) is expected to be pathogenic in the context of primary ciliary dyskinesia, DNAH5-related. This variant is predicted to lead to an abnormal or absent protein product due to the creation of a premature termination codon in DNAH5, a gene where loss-of-function variants are known to be pathogenic. Please note: this variant was assessed in the context of healthy population screening.

Labcorp Genetics (formerly Invitae), Labcorp
Classification: Pathogenic for Primary ciliary dyskinesia. Last evaluated: 2022-08-09. Review status: criteria provided, single submitter. Criteria: Invitae Variant Classification Sherloc (09022015). Collection method: clinical testing. Allele origin: germline.
Comment: This variant has not been reported in the literature in individuals affected with DNAH5-related conditions. For these reasons, this variant has been classified as Pathogenic. ClinVar contains an entry for this variant (Variation ID: 571327). This variant is not present in population databases (gnomAD no frequency). This sequence change creates a premature translational stop signal (p.Trp4449*) in the DNAH5 gene. It is expected to result in an absent or disrupted protein product. Loss-of-function variants in DNAH5 are known to be pathogenic (PMID: 11788826, 16627867).

Literature cited by the submitters: PubMed 11788826 (cited by Labcorp Genetics (formerly Invitae), Labcorp); PubMed 16627867 (cited by Labcorp Genetics (formerly Invitae), Labcorp).

NM_001369.3(DNAH5):c.13346G>A (p.Trp4449Ter)

Gene: DNAH5 (dynein axonemal heavy chain 5; minus strand). Cytogenetic location: 5p15.2.
Variant type: single nucleotide variant.
Coding change: c.13346G>A on transcript NM_001369.3 (MANE Select); coding-DNA position 13346, G replaced by A.
Protein change: p.Trp4449Ter; replaces tryptophan 4449 with a stop codon.
Molecular consequence: nonsense.
Genome position (GRCh38, 1-based): chr5:13,701,429, C>T on the plus strand (G>A on the coding strand, the complement: DNAH5 is on the minus strand). VCF-style: chr5-13701429-C-T. GRCh37 (hg19) VCF-style: chr5-13701538-C-T.
Other names: short protein forms W4449*.
Identifiers: ClinVar variation 571327 (VCV000571327.10), dbSNP rs1561073938, ClinGen allele CA359193774.
Genomic context (GRCh38, chr5:13,701,429, plus strand): 5'-GTAAACTGGCTGTTTCTTTCTATAAGTTCAGTAAACCAGAAACCCAGTGTACTAGAAATC[C>T]AAGAAGCCTGCAATGAAGACATTAAAACAATTAATTGATGTAAGTTTAATACTGCAGTGT-3'